The following is an entry in ClinVar:

NM_002241.5(KCNJ10):c.*2490G>A

Gene: KCNJ10 (potassium inwardly rectifying channel subfamily J member 10; minus strand). Cytogenetic location: 1q23.2.
Variant type: single nucleotide variant.
Coding change: c.*2490G>A on transcript NM_002241.5 (MANE Select); 2490 bases downstream of the stop codon, G replaced by A.
Molecular consequence: 3 prime UTR variant.
Genome position (GRCh38, 1-based): chr1:160,038,903, C>T on the plus strand (G>A on the coding strand, the complement: KCNJ10 is on the minus strand). VCF-style: chr1-160038903-C-T. GRCh37 (hg19) VCF-style: chr1-160008693-C-T.
Identifiers: ClinVar variation 293085 (VCV000293085.5), dbSNP rs190897143, ClinGen allele CA10608060.

ClinVar aggregate classification (germline): Conflicting classifications of pathogenicity. Review status: criteria provided, conflicting classifications (1 of 4 stars). 2 submissions from 1 submitter: Uncertain significance (1); Likely benign (1). Last evaluated 2018-01-13.

Conditions:
Autosomal recessive nonsyndromic hearing loss 4 (DFNB4). Also called: FOXI1-Related Pendred Syndrome; KCNJ10-Related Pendred Syndrome; DEAFNESS, AUTOSOMAL RECESSIVE 4, WITH ENLARGED VESTIBULAR AQUEDUCT, DIGENIC; NEUROSENSORY NONSYNDROMIC RECESSIVE DEAFNESS 4; Nonsyndromic enlarged vestibular aqueduct (NSEVA); Deafness, autosomal recessive 4, with enlarged vestibular aqueduct. Identifiers: Orphanet 90636, MedGen C3538946, MONDO:0010933, OMIM 600791.
EAST syndrome (SESAMES). Also called: SEIZURES, SENSORINEURAL DEAFNESS, ATAXIA, IMPAIRED INTELLECTUAL DEVELOPMENT, AND ELECTROLYTE IMBALANCE. Identifiers: Orphanet 199343, MedGen C2748572, MONDO:0013005, OMIM 612780.

Allele frequency attached by ClinVar (database versions not stated): gnomAD 0.00037 and 0.00040; 1000 Genomes Project 0.00060; TOPMed 0.00063; 1000 Genomes Project 30x 0.00078.

Submissions (2):

Illumina Laboratory Services, Illumina
Classification: Likely benign for EAST syndrome. Last evaluated: 2018-01-13. Review status: criteria provided, single submitter. Criteria: ICSL Variant Classification Criteria 13 December 2019. Collection method: clinical testing. Allele origin: germline.
Comment: This variant was observed in the ICSL laboratory as part of a predisposition screen in an ostensibly healthy population. It had not been previously curated by ICSL or reported in the Human Gene Mutation Database (HGMD: prior to June 1st, 2018), and was therefore a candidate for classification through an automated scoring system. Utilizing variant allele frequency, disease prevalence and penetrance estimates, and inheritance mode, an automated score was calculated to assess if this variant is too frequent to cause the disease. Based on the score and internal cut-off values, a variant classified as likely benign is not then subjected to further curation. The score for this variant resulted in a classification of likely benign for this disease.

Illumina Laboratory Services, Illumina
Classification: Uncertain significance for Autosomal recessive nonsyndromic hearing loss 4. Last evaluated: 2018-01-13. Review status: criteria provided, single submitter. Criteria: ICSL Variant Classification Criteria 13 December 2019. Collection method: clinical testing. Allele origin: germline.